The following is an entry in ClinVar:

ClinVar aggregate classification (germline): Pathogenic (1 of 4 stars; one submission).

Conditions:
Aortic valve disease 2 (AOVD2). Identifiers: MedGen C3542024, MONDO:0013902, OMIM 614823.

Submission:

Labcorp Genetics (formerly Invitae), Labcorp
Classification: Pathogenic for Aortic valve disease 2. Last evaluated: 2021-12-20. Review status: criteria provided, single submitter. Criteria: Invitae Variant Classification Sherloc (09022015). Collection method: clinical testing. Allele origin: germline.
Comment: For these reasons, this variant has been classified as Pathogenic. Algorithms developed to predict the effect of sequence changes on RNA splicing suggest that this variant may disrupt the consensus splice site. Disruption of this splice site has been observed in individuals with clinical features of Holt-Oram syndrome (Invitae). This variant is not present in population databases (gnomAD no frequency). This sequence change affects a donor splice site in intron 7 of the TBX5 gene. It is expected to disrupt RNA splicing. Variants that disrupt the donor or acceptor splice site typically lead to a loss of protein function (PMID: 16199547), and loss-of-function variants in TBX5 are known to be pathogenic (PMID: 16183809, 16917909).

Literature cited by the submitters: PubMed 16199547; PubMed 16183809; PubMed 16917909.

NM_181486.4(TBX5):c.755+1G>A

Gene: TBX5 (T-box transcription factor 5; minus strand). Cytogenetic location: 12q24.21.
Variant type: single nucleotide variant.
Coding change: c.755+1G>A on transcript NM_181486.4 (MANE Select); the canonical splice donor site of the intron after coding-DNA position 755, G replaced by A.
Molecular consequence: splice donor variant.
Genome position (GRCh38, 1-based): chr12:114,385,475, C>T on the plus strand (G>A on the coding strand, the complement: TBX5 is on the minus strand). VCF-style: chr12-114385475-C-T. GRCh37 (hg19) VCF-style: chr12-114823280-C-T.
Other names: c.605+1G>A (NM_080717.4); c.755+1G>A (NM_000192.3).
Identifiers: ClinVar variation 2050129 (VCV002050129.4), dbSNP rs2136397746, ClinGen allele CA386859486.